The following is an entry in ClinVar:

NM_020066.5(FMN2):c.2487G>C (p.Pro829=)

Gene: FMN2 (formin 2; plus strand). Cytogenetic location: 1q43.
Variant type: single nucleotide variant.
Coding change: c.2487G>C on transcript NM_020066.5 (MANE Select); coding-DNA position 2487, G replaced by C.
Protein change: p.Pro829=; no amino-acid change (proline 829 retained).
Molecular consequence: synonymous variant. On other transcripts: intron variant (1).
Genome position (GRCh38, 1-based): chr1:240,207,299, G>C. VCF-style: chr1-240207299-G-C. GRCh37 (hg19) VCF-style: chr1-240370599-G-C.
Other names: c.2499G>C, p.Pro833= (NM_001305424.2); c.1986+19037G>C (NM_001348094.2).
Identifiers: ClinVar variation 3036370 (VCV003036370.1), dbSNP rs1372491335, ClinGen allele CA424385103.

ClinVar aggregate classification (germline): Likely benign (1 of 4 stars; one submission).

Conditions:
FMN2-related disorder. Also called: FMN2-related condition.

Allele frequency attached by ClinVar (database versions not stated): gnomAD 0.00001.
gnomAD v4.1: 4 of 1,613,562 alleles (0.00025%); highest among the groups gnomAD compares: Non-Finnish European, 0.00034%; no homozygotes.

Submission:

PreventionGenetics, part of Exact Sciences
Classification: Likely benign for FMN2-related condition. Last evaluated: 2020-08-03. Review status: criteria provided, single submitter. Criteria: ACMG Guidelines, 2015. Collection method: clinical testing. Allele origin: germline.
Comment: This variant is classified as likely benign based on ACMG/AMP sequence variant interpretation guidelines (Richards et al. 2015 PMID: 25741868, with internal and published modifications).